The following is an entry in ClinVar:

NM_138420.4(AHNAK2):c.2870G>T (p.Gly957Val)

Gene: AHNAK2 (AHNAK nucleoprotein 2; minus strand). Cytogenetic location: 14q32.33.
Variant type: single nucleotide variant.
Coding change: c.2870G>T on transcript NM_138420.4 (MANE Select); coding-DNA position 2870, G replaced by T.
Protein change: p.Gly957Val; replaces glycine 957 with valine.
Molecular consequence: missense variant.
Genome position (GRCh38, 1-based): chr14:104,952,581, C>A on the plus strand (G>T on the coding strand, the complement: AHNAK2 is on the minus strand). VCF-style: chr14-104952581-C-A. GRCh37 (hg19) VCF-style: chr14-105418918-C-A.
Other names: c.2570G>T, p.Gly857Val (NM_001350929.2); short protein forms G857V, G957V.
Identifiers: ClinVar variation 2644873 (VCV002644873.24), dbSNP rs200038870, ClinGen allele CA7383319.

ClinVar aggregate classification (germline): Likely benign (1 of 4 stars; one submission).

Allele frequency attached by ClinVar (database versions not stated): ExAC 0.00085; 1000 Genomes Project 30x 0.00219; gnomAD 0.00273; ESP Exome Variant Server 0.00294; 1000 Genomes Project 0.00399.
gnomAD v4.1: 937 of 1,610,058 alleles (0.058%); highest among the groups gnomAD compares: African/African-American, 0.93%; 28 homozygotes.

Submission:

CeGaT Center for Human Genetics Tuebingen
Classification: Likely benign. Last evaluated: 2024-10-01. Review status: criteria provided, single submitter. Criteria: CeGaT Center For Human Genetics Tuebingen Variant Classification Criteria Version 2. Collection method: clinical testing. Allele origin: germline. Affected: yes. Observed: 2 variant alleles.
Comment: AHNAK2: BP4, BS2